The following is an entry in ClinVar:

NM_001003800.2(BICD2):c.1050G>A (p.Gln350=)

Gene: BICD2 (BICD cargo adaptor 2; minus strand). Cytogenetic location: 9q22.31.
Variant type: single nucleotide variant.
Coding change: c.1050G>A on transcript NM_001003800.2 (MANE Select); coding-DNA position 1050, G replaced by A.
Protein change: p.Gln350=; no amino-acid change (glutamine 350 retained).
Molecular consequence: synonymous variant.
Genome position (GRCh38, 1-based): chr9:92,720,312, C>T on the plus strand (G>A on the coding strand, the complement: BICD2 is on the minus strand). VCF-style: chr9-92720312-C-T. GRCh37 (hg19) VCF-style: chr9-95482594-C-T.
Other names: c.1050G>A, p.Gln350= (NM_015250.4).
Identifiers: ClinVar variation 474253 (VCV000474253.19), dbSNP rs368860496, ClinGen allele CA5126670.

ClinVar aggregate classification (germline): Benign/Likely benign. Review status: criteria provided, multiple submitters, no conflicts (2 of 4 stars). 5 submissions from 5 submitters: Benign (2); Likely benign (2). 1 of the submissions does not count toward it. Last evaluated 2025-12-22.

Conditions:
Inborn genetic diseases. Identifiers: MedGen C0950123, MeSH D030342.
BICD2-related disorder. Also called: BICD2-related condition.
Autosomal dominant childhood-onset proximal spinal muscular atrophy with contractures (SMALED2A). Also called: Spinal muscular atrophy, lower extremity-predominant, 2A, autosomal dominant; SPINAL MUSCULAR ATROPHY, LOWER EXTREMITY-PREDOMINANT, 2A, CHILDHOOD ONSET, AUTOSOMAL DOMINANT. Identifiers: Orphanet 363447, Orphanet 363454, MedGen C4747715, MONDO:0014121, OMIM 615290.

Allele frequency attached by ClinVar (database versions not stated): ESP Exome Variant Server 0.00015; TOPMed 0.00021; gnomAD 0.00042 and 0.00044; ExAC 0.00044; gnomAD exomes 0.00045 and 0.00047.
gnomAD v4.1: 744 of 1,609,528 alleles (0.046%); highest among the groups gnomAD compares: Non-Finnish European, 0.047%; 1 homozygote.

Submissions (5):

Labcorp Genetics (formerly Invitae), Labcorp
Classification: Benign for Autosomal dominant childhood-onset proximal spinal muscular atrophy with contractures. Last evaluated: 2025-12-22. Review status: criteria provided, single submitter. Criteria: Invitae Variant Classification Sherloc (09022015). Collection method: clinical testing. Allele origin: germline.

Blueprint Genetics
Classification: Likely benign. Last evaluated: 2024-11-27. Review status: criteria provided, single submitter. Criteria: ACMG Guidelines, 2015. Collection method: clinical testing. Allele origin: germline.

GeneDx
Classification: Benign. Last evaluated: 2020-07-15. Review status: criteria provided, single submitter. Criteria: GeneDx Variant Classification Process June 2021. Collection method: clinical testing. Allele origin: germline. Affected: yes.

Ambry Genetics
Classification: Likely benign for Inborn genetic diseases. Last evaluated: 2019-07-11. Review status: criteria provided, single submitter. Criteria: Ambry Variant Classification Scheme 2023. Collection method: clinical testing. Allele origin: germline.

PreventionGenetics, part of Exact Sciences
Classification: Likely benign for BICD2-related condition. Last evaluated: 2021-01-05. Review status: no assertion criteria provided. Collection method: clinical testing. Allele origin: germline. Not counted in ClinVar's aggregate classification.
Comment: This variant is classified as likely benign based on ACMG/AMP sequence variant interpretation guidelines (Richards et al. 2015 PMID: 25741868, with internal and published modifications).